The following is an entry in ClinVar:

ClinVar aggregate classification (germline): Uncertain significance. Review status: criteria provided, single submitter (1 of 4 stars). 2 submissions from 2 submitters: Uncertain significance (1). 1 of the submissions does not count toward it. Last evaluated 2025-07-30.

Conditions:
RIPOR2-related disorder. Also called: RIPOR2-related condition.

gnomAD v4.1: 1 of 1,613,860 alleles (0.000062%); highest among the groups gnomAD compares: Admixed American, 0.0017%; no homozygotes.

Submissions (2):

Labcorp Genetics (formerly Invitae), Labcorp
Classification: Uncertain significance. Last evaluated: 2025-07-30. Review status: criteria provided, single submitter. Criteria: Invitae Variant Classification Sherloc (09022015). Collection method: clinical testing. Allele origin: germline.
Comment: This sequence change replaces alanine, which is neutral and non-polar, with glutamic acid, which is acidic and polar, at codon 291 of the FAM65B protein (p.Ala291Glu). This variant is not present in population databases (gnomAD no frequency). This variant has not been reported in the literature in individuals affected with FAM65B-related conditions. ClinVar contains an entry for this variant (Variation ID: 3353960). An algorithm developed to predict the effect of missense changes on protein structure and function (PolyPhen-2) suggests that this variant is likely to be disruptive. In summary, the available evidence is currently insufficient to determine the role of this variant in disease. Therefore, it has been classified as a Variant of Uncertain Significance.

PreventionGenetics, part of Exact Sciences
Classification: Uncertain significance for RIPOR2-related condition. Last evaluated: 2024-09-04. Review status: no assertion criteria provided. Collection method: clinical testing. Allele origin: germline. Not counted in ClinVar's aggregate classification.
Comment: The RIPOR2 c.872C>A variant is predicted to result in the amino acid substitution p.Ala291Glu. To our knowledge, this variant has not been reported in the literature or in a large population database, indicating this variant is rare. At this time, the clinical significance of this variant is uncertain due to the absence of conclusive functional and genetic evidence.

NM_001286445.3(RIPOR2):c.959C>A (p.Ala320Glu)

Gene: RIPOR2 (RHO family interacting cell polarization regulator 2; minus strand). Cytogenetic location: 6p22.3.
Variant type: single nucleotide variant.
Coding change: c.959C>A on transcript NM_001286445.3 (MANE Select); coding-DNA position 959, C replaced by A.
Protein change: p.Ala320Glu; replaces alanine 320 with glutamic acid.
Molecular consequence: missense variant.
Genome position (GRCh38, 1-based): chr6:24,849,877, G>T on the plus strand (C>A on the coding strand, the complement: RIPOR2 is on the minus strand). VCF-style: chr6-24849877-G-T. GRCh37 (hg19) VCF-style: chr6-24850105-G-T.
Other names: c.974C>A, p.Ala325Glu (NM_001286446.3); c.872C>A, p.Ala291Glu (NM_001286447.2, NM_001346031.2, NM_001346032.2 and 2 more transcripts); short protein forms A291E, A320E, A325E.
Identifiers: ClinVar variation 3353960 (VCV003353960.3).